The following is an entry in ClinVar:

NM_000815.5(GABRD):c.1295G>A (p.Arg432His)

Gene: GABRD (gamma-aminobutyric acid type A receptor subunit delta; plus strand). Cytogenetic location: 1p36.33.
Variant type: single nucleotide variant.
Coding change: c.1295G>A on transcript NM_000815.5 (MANE Select); coding-DNA position 1295, G replaced by A.
Protein change: p.Arg432His; replaces arginine 432 with histidine.
Molecular consequence: missense variant.
Genome position (GRCh38, 1-based): chr1:2,030,218, G>A. VCF-style: chr1-2030218-G-A. GRCh37 (hg19) VCF-style: chr1-1961657-G-A.
Other names: short protein forms R432H.
Identifiers: ClinVar variation 2169790 (VCV002169790.4), dbSNP rs971559651, ClinGen allele CA16892070.

ClinVar aggregate classification (germline): Uncertain significance (1 of 4 stars; one submission).

Conditions:
Idiopathic generalized epilepsy. Also called: EIG; Generalised epilepsy. Identifiers: MedGen C0270850, MONDO:0005579, OMIM 600669.

Allele frequency attached by ClinVar (database versions not stated): TOPMed below 0.00001.

Submission:

Labcorp Genetics (formerly Invitae), Labcorp
Classification: Uncertain significance for Idiopathic generalized epilepsy. Last evaluated: 2024-10-21. Review status: criteria provided, single submitter. Criteria: Invitae Variant Classification Sherloc (09022015). Collection method: clinical testing. Allele origin: germline.
Comment: This sequence change replaces arginine, which is basic and polar, with histidine, which is basic and polar, at codon 432 of the GABRD protein (p.Arg432His). This variant is not present in population databases (gnomAD no frequency). This variant has not been reported in the literature in individuals affected with GABRD-related conditions. ClinVar contains an entry for this variant (Variation ID: 2169790). An algorithm developed to predict the effect of missense changes on protein structure and function (PolyPhen-2) suggests that this variant is likely to be disruptive. In summary, the available evidence is currently insufficient to determine the role of this variant in disease. Therefore, it has been classified as a Variant of Uncertain Significance.